The following is an entry in ClinVar:

ClinVar aggregate classification (germline): Uncertain significance (1 of 4 stars; one submission).

Allele frequency attached by ClinVar (database versions not stated): gnomAD 0.00001.

Submission:

Labcorp Genetics (formerly Invitae), Labcorp
Classification: Uncertain significance. Last evaluated: 2026-02-02. Review status: criteria provided, single submitter. Criteria: Invitae Variant Classification Sherloc (09022015). Collection method: clinical testing. Allele origin: germline.
Comment: This sequence change replaces histidine, which is basic and polar, with arginine, which is basic and polar, at codon 202 of the ZIC4 protein (p.His202Arg). This variant is present in population databases (rs775920052, gnomAD 0.04%). This variant has not been reported in the literature in individuals affected with ZIC4-related conditions. ClinVar contains an entry for this variant (Variation ID: 1972662). An algorithm developed to predict the effect of missense changes on protein structure and function (PolyPhen-2) suggests that this variant is likely to be tolerated. In summary, the available evidence is currently insufficient to determine the role of this variant in disease. Therefore, it has been classified as a Variant of Uncertain Significance.

NM_032153.6(ZIC4):c.455A>G (p.His152Arg)

Gene: ZIC4 (Zic family zinc finger 4; minus strand). Cytogenetic location: 3q24.
Variant type: single nucleotide variant.
Coding change: c.455A>G on transcript NM_032153.6 (MANE Select); coding-DNA position 455, A replaced by G.
Protein change: p.His152Arg; replaces histidine 152 with arginine.
Molecular consequence: missense variant. On other transcripts: intron variant (1).
Genome position (GRCh38, 1-based): chr3:147,396,085, T>C on the plus strand (A>G on the coding strand, the complement: ZIC4 is on the minus strand). VCF-style: chr3-147396085-T-C. GRCh37 (hg19) VCF-style: chr3-147113872-T-C.
Other names: c.605A>G, p.His202Arg (NM_001168378.1); c.569A>G, p.His190Arg (NM_001168379.2); c.71-4839A>G (NM_001243256.2); short protein forms H202R, H190R, H152R.
Identifiers: ClinVar variation 1972662 (VCV001972662.5), dbSNP rs775920052, ClinGen allele CA2656804.